The following is an entry in ClinVar:

NM_018006.5(TRMU):c.2T>C (p.Met1Thr)

Gene: TRMU (tRNA mitochondrial 2-thiouridylase; plus strand). Cytogenetic location: 22q13.31.
Variant type: single nucleotide variant.
Coding change: c.2T>C on transcript NM_018006.5 (MANE Select); coding-DNA position 2, T replaced by C.
Protein change: p.Met1Thr; changes the start codon (methionine 1).
Molecular consequence: missense variant, initiator codon variant. On other transcripts: 5 prime UTR variant (3), non-coding transcript variant (2).
Genome position (GRCh38, 1-based): chr22:46,335,766, T>C. VCF-style: chr22-46335766-T-C. GRCh37 (hg19) VCF-style: chr22-46731663-T-C.
Other names: c.-234T>C (NM_001282782.2); c.-253T>C (NM_001282783.2, NM_001282784.2); c.2T>C, p.Met1Thr (NM_001282785.2); short protein forms M1T.
Identifiers: ClinVar variation 280795 (VCV000280795.6), dbSNP rs118203992, ClinGen allele CA10603573.

ClinVar aggregate classification (germline): Pathogenic/Likely pathogenic. Review status: criteria provided, multiple submitters, no conflicts (2 of 4 stars). 2 submissions from 2 submitters: Pathogenic (1); Likely pathogenic (1). Last evaluated 2023-11-14.

Submissions (2):

Labcorp Genetics (formerly Invitae), Labcorp
Classification: Likely pathogenic. Last evaluated: 2023-11-14. Review status: criteria provided, single submitter. Criteria: Invitae Variant Classification Sherloc (09022015). Collection method: clinical testing. Allele origin: germline.
Comment: This sequence change affects the initiator methionine of the TRMU mRNA. The next in-frame methionine is located at codon 36. This variant is not present in population databases (gnomAD no frequency). Disruption of the initiator codon has been observed in individuals with TRMU-related conditions (PMID: 19732863, 31395954, 33365252). ClinVar contains an entry for this variant (Variation ID: 280795). In summary, the currently available evidence indicates that the variant is pathogenic, but additional data are needed to prove that conclusively. Therefore, this variant has been classified as Likely Pathogenic.

GeneDx
Classification: Pathogenic. Last evaluated: 2016-09-01. Review status: criteria provided, single submitter. Criteria: GeneDx Variant Classification (06012015). Collection method: clinical testing. Allele origin: germline. Affected: yes.
Comment: The c.2 T>C pathogenic variant in the TRMU gene has not been reported previously as a pathogenic variant nor as a benign variant, to our knowledge. The c.2 T>C variant was not observed in approximately 6500 individuals of European and African American ancestry in the NHLBI Exome Sequencing Project, indicating it is not a common benign variant in these populations. As this pathogenic variant changes the translation initiator Methionine codon, the resultant protein is described as p.Met1?, using a question mark to signify that it is not known if the loss of Met1 means that all protein translation is completely prevented or if an abnormal protein is produced using an alternate Methionine. We interpret c.2 T>C as a pathogenic variant.

Literature cited by the submitters: PubMed 19732863 (cited by Labcorp Genetics (formerly Invitae), Labcorp); PubMed 31395954 (cited by Labcorp Genetics (formerly Invitae), Labcorp); PubMed 33365252 (cited by Labcorp Genetics (formerly Invitae), Labcorp).